The following is an entry in ClinVar:

NM_144508.5(KNL1):c.250+493_250+495del

Gene: KNL1 (kinetochore scaffold 1; plus strand). Cytogenetic location: 15q15.1.
Variant type: Microsatellite.
Coding change: c.250+493_250+495del on transcript NM_144508.5 (MANE Select); bases 493 to 495 of the intron after coding-DNA position 250, 3 bases deleted (GTT; older notation c.250+493_250+495delGTT).
Molecular consequence: intron variant.
Genome position (GRCh38, 1-based): chr15:40,610,790-40,610,792, GTT deleted; deleting any 3 consecutive bases within chr15:40,610,786-40,610,792 gives the same sequence; the c. name uses the placement nearest the transcript's 3' end. VCF-style (leftmost placement, unchanged base first): chr15-40610785-CTGT-C. GRCh37 (hg19) VCF-style: chr15-40902983-CTGT-C.
Other names: c.251-9_251-7del (NM_170589.5).
Identifiers: ClinVar variation 3039908 (VCV003039908.2), dbSNP rs1259624326, ClinGen allele CA617243389.

ClinVar aggregate classification (germline): Likely benign (0 of 4 stars; one submission).

Conditions:
KNL1-related disorder. Also called: KNL1-related condition.

Submission:

PreventionGenetics, part of Exact Sciences
Classification: Likely benign for KNL1-related condition. Last evaluated: 2019-09-23. Review status: no assertion criteria provided. Collection method: clinical testing. Allele origin: germline.
Comment: This variant is classified as likely benign based on ACMG/AMP sequence variant interpretation guidelines (Richards et al. 2015 PMID: 25741868, with internal and published modifications).